The following is an entry in ClinVar:

NM_000397.4(CYBB):c.1382_1396del (p.Leu461_Met465del)

Gene: CYBB (cytochrome b-245 beta chain; plus strand). Cytogenetic location: Xp11.4.
Variant type: Deletion.
Coding change: c.1382_1396del on transcript NM_000397.4 (MANE Select); coding-DNA positions 1382 to 1396, 15 bases deleted (TGGAGAGCCAGATGC).
Protein change: p.Leu461_Met465del.
Molecular consequence: inframe deletion. On other transcripts: inframe indel (1).
Genome position (GRCh38, 1-based): chrX:37,806,454-37,806,468, TGGAGAGCCAGATGC deleted; deleting any 15 consecutive bases within chrX:37,806,451-37,806,468 gives the same sequence; the c. name uses the placement nearest the transcript's 3' end. VCF-style (leftmost placement, unchanged base first): chrX-37806450-CTGCTGGAGAGCCAGA-C. GRCh37 (hg19) VCF-style: chrX-37665703-CTGCTGGAGAGCCAGA-C.
Other names: c.1382_1396delTGGAGAGCCAGATGC, p.Leu461_Met465del (NM_000397.3).
Identifiers: ClinVar variation 3603055 (VCV003603055.1).

ClinVar aggregate classification (germline): Uncertain significance (1 of 4 stars; one submission).

Submission:

GeneDx
Classification: Uncertain significance. Last evaluated: 2024-08-08. Review status: criteria provided, single submitter. Criteria: GeneDx Variant Classification Process June 2021. Collection method: clinical testing. Allele origin: germline. Affected: yes.
Comment: Not observed at significant frequency in large population cohorts (gnomAD); In-frame deletion of 5 amino acids in a non-repeat region; Has not been previously published as pathogenic or benign to our knowledge